The following is an entry in ClinVar:

NM_002109.6(HARS1):c.397G>T (p.Val133Phe)

Gene: HARS1 (histidyl-tRNA synthetase 1; minus strand). Cytogenetic location: 5q31.3.
Variant type: single nucleotide variant.
Coding change: c.397G>T on transcript NM_002109.6 (MANE Select); coding-DNA position 397, G replaced by T.
Protein change: p.Val133Phe; replaces valine 133 with phenylalanine.
Molecular consequence: missense variant. On other transcripts: intron variant (2).
Genome position (GRCh38, 1-based): chr5:140,679,127, C>A on the plus strand (G>T on the coding strand, the complement: HARS1 is on the minus strand). VCF-style: chr5-140679127-C-A. GRCh37 (hg19) VCF-style: chr5-140058712-C-A.
Other names: c.277G>T, p.Val93Phe (NM_001258040.3, NM_001258042.3); c.397G>T, p.Val133Phe (NM_001258041.3); c.310G>T, p.Val104Phe (NM_001289094.2); c.181-1112G>T (NM_001289093.2); c.301-1112G>T (NM_001289092.2); short protein forms V133F, V93F, V104F.
Identifiers: ClinVar variation 548118 (VCV000548118.2), dbSNP rs1554107200, ClinGen allele CA361257482.

ClinVar aggregate classification (germline): Likely pathogenic (1 of 4 stars; one submission).

Conditions:
Autosomal dominant Charcot-Marie-Tooth disease type 2W. Also called: CHARCOT-MARIE-TOOTH NEUROPATHY, TYPE 2W; CHARCOT-MARIE-TOOTH DISEASE, AXONAL, AUTOSOMAL DOMINANT, TYPE 2W; Charcot-Marie-Tooth disease, axonal, type 2w. Identifiers: Orphanet 488333, MedGen C5567486, MONDO:0014711, OMIM 616625.

Submission:

Division of Genetic Medicine, Lausanne University Hospital
Classification: Likely pathogenic for Autosomal dominant Charcot-Marie-Tooth disease type 2W. Last evaluated: 2018-07-03. Review status: criteria provided, single submitter. Criteria: ACMG Guidelines, 2015. Collection method: clinical testing. Allele origin: unknown. Inheritance: Autosomal dominant inheritance. Affected: yes. Observed: 1 variant allele, 1 heterozygote.
Comment: The c.397G>T (p.Val133Phe) variant in HARS has never been described in any public databases. It is predicted to be deleterious by various in-silico software as CADD, VEST3, MutationTaster, SIFT. It affects the 1st base of exon 5 and is predicted to lead to an incorrect exon splicing. This variant is surrounded by known pathogenic variants causing AD CMT (Safka Brozkova, 2015).